The following is an entry in ClinVar:

NM_006329.4(FBLN5):c.354G>C (p.Gln118His)

Gene: FBLN5 (fibulin 5; minus strand). Cytogenetic location: 14q32.12.
Variant type: single nucleotide variant.
Coding change: c.354G>C on transcript NM_006329.4 (MANE Select); coding-DNA position 354, G replaced by C.
Protein change: p.Gln118His; replaces glutamine 118 with histidine.
Molecular consequence: missense variant.
Genome position (GRCh38, 1-based): chr14:91,936,972, C>G on the plus strand (G>C on the coding strand, the complement: FBLN5 is on the minus strand). VCF-style: chr14-91936972-C-G. GRCh37 (hg19) VCF-style: chr14-92403316-C-G.
Other names: c.477G>C, p.Gln159His (NM_001384158.1); c.405G>C, p.Gln135His (NM_001384159.1); c.354G>C, p.Gln118His (NM_001384160.1); c.186G>C, p.Gln62His (NM_001384161.1, NM_001384162.1); short protein forms Q118H, Q135H, Q159H, Q62H.
Identifiers: ClinVar variation 3239536 (VCV003239536.19), dbSNP rs2542900177.
Genomic context (GRCh38, chr14:91,936,972, plus strand): 5'-CACAGCGGAGAGGAACAAAAGGCCGGGCTACTCACCCACACATTGGTTGCTTTCATCCAT[C>G]TGGTATCCAAAGCGGCATATAAGAGGCCTGGAGATCGTGGGATAGTTTGGAGCTGAGAGT-3'
Protein context (NP_006320.2, residues 108-128): SRPLICRFGY[Gln118His]MDESNQCVDV

ClinVar aggregate classification (germline): Uncertain significance (1 of 4 stars; one submission).

Submission:

CeGaT Center for Human Genetics Tuebingen
Classification: Uncertain significance. Last evaluated: 2024-05-01. Review status: criteria provided, single submitter. Criteria: CeGaT Center For Human Genetics Tuebingen Variant Classification Criteria Version 2. Collection method: clinical testing. Allele origin: germline. Affected: yes. Observed: 1 variant allele.
Comment: FBLN5: PM2